The following is an entry in ClinVar:

ClinVar aggregate classification (germline): Uncertain significance. Review status: criteria provided, single submitter (1 of 4 stars). 2 submissions from 2 submitters: Uncertain significance (1). 1 of the submissions does not count toward it. Last evaluated 2025-02-09.

Conditions:
TNS1-related disorder. Also called: TNS1-related condition.

Allele frequency attached by ClinVar (database versions not stated): gnomAD exomes 0.00005; ExAC 0.00016; gnomAD 0.00042; TOPMed 0.00046; 1000 Genomes Project 0.00060; 1000 Genomes Project 30x 0.00062; ESP Exome Variant Server 0.00069.
gnomAD v4.1: 144 of 1,614,080 alleles (0.0089%); highest among the groups gnomAD compares: African/African-American, 0.16%; no homozygotes.

Submissions (2):

Ambry Genetics
Classification: Uncertain significance. Last evaluated: 2025-02-09. Review status: criteria provided, single submitter. Criteria: Ambry Variant Classification Scheme 2023. Collection method: clinical testing. Allele origin: germline.

PreventionGenetics, part of Exact Sciences
Classification: Likely benign for TNS1-related condition. Last evaluated: 2023-05-22. Review status: no assertion criteria provided. Collection method: clinical testing. Allele origin: germline. Not counted in ClinVar's aggregate classification.
Comment: This variant is classified as likely benign based on ACMG/AMP sequence variant interpretation guidelines (Richards et al. 2015 PMID: 25741868, with internal and published modifications).

NM_001387777.1(TNS1):c.5506G>A (p.Gly1836Ser)

Gene: TNS1 (tensin 1; minus strand). Cytogenetic location: 2q35.
Variant type: single nucleotide variant.
Coding change: c.5506G>A on transcript NM_001387777.1 (MANE Select); coding-DNA position 5506, G replaced by A.
Protein change: p.Gly1836Ser; replaces glycine 1836 with serine.
Molecular consequence: missense variant.
Genome position (GRCh38, 1-based): chr2:217,804,473, C>T on the plus strand (G>A on the coding strand, the complement: TNS1 is on the minus strand). VCF-style: chr2-217804473-C-T. GRCh37 (hg19) VCF-style: chr2-218669196-C-T.
Other names: c.5152G>A, p.Gly1718Ser (NM_001308022.2); c.5131G>A, p.Gly1711Ser (NM_001308023.2); c.5194G>A, p.Gly1732Ser (NM_022648.7); c.5194G>A (NM_022648.4); short protein forms G1711S, G1718S, G1732S, G1836S.
Identifiers: ClinVar variation 3055025 (VCV003055025.3), dbSNP rs143428830, ClinGen allele CA2099253.